The following is an entry in ClinVar:

ClinVar aggregate classification (germline): Uncertain significance. Review status: criteria provided, multiple submitters, no conflicts (2 of 4 stars). 2 submissions from 2 submitters: Uncertain significance (2). Last evaluated 2025-11-02.

Conditions:
Inborn genetic diseases. Identifiers: MedGen C0950123, MeSH D030342.
Cortical dysplasia-focal epilepsy syndrome (PTHSL1). Also called: Pitt-Hopkins-like syndrome 1. Identifiers: Orphanet 163681, Orphanet 221150, MedGen C2750246, MONDO:0012400, OMIM 610042.

Allele frequency attached by ClinVar (database versions not stated): gnomAD exomes 0.00001; TOPMed 0.00001; gnomAD 0.00003; ExAC 0.00004.
gnomAD v4.1: 14 of 1,613,996 alleles (0.00087%); highest among the groups gnomAD compares: Admixed American, 0.005%; no homozygotes.

Submissions (2):

Ambry Genetics
Classification: Uncertain significance for Inborn genetic diseases. Last evaluated: 2025-11-02. Review status: criteria provided, single submitter. Criteria: Ambry Variant Classification Scheme 2023. Collection method: clinical testing. Allele origin: germline.

Labcorp Genetics (formerly Invitae), Labcorp
Classification: Uncertain significance for Cortical dysplasia-focal epilepsy syndrome. Last evaluated: 2022-07-23. Review status: criteria provided, single submitter. Criteria: Invitae Variant Classification Sherloc (09022015). Collection method: clinical testing. Allele origin: germline.
Comment: This sequence change replaces arginine, which is basic and polar, with cysteine, which is neutral and slightly polar, at codon 734 of the CNTNAP2 protein (p.Arg734Cys). This variant is present in population databases (rs775506190, gnomAD 0.01%). This variant has not been reported in the literature in individuals affected with CNTNAP2-related conditions. Algorithms developed to predict the effect of missense changes on protein structure and function (SIFT, PolyPhen-2, Align-GVGD) all suggest that this variant is likely to be disruptive. In summary, the available evidence is currently insufficient to determine the role of this variant in disease. Therefore, it has been classified as a Variant of Uncertain Significance.

NM_014141.6(CNTNAP2):c.2200C>T (p.Arg734Cys)

Gene: CNTNAP2 (contactin associated protein 2; plus strand). Cytogenetic location: 7q35.
Variant type: single nucleotide variant.
Coding change: c.2200C>T on transcript NM_014141.6 (MANE Select); coding-DNA position 2200, C replaced by T.
Protein change: p.Arg734Cys; replaces arginine 734 with cysteine.
Molecular consequence: missense variant.
Genome position (GRCh38, 1-based): chr7:147,903,666, C>T. VCF-style: chr7-147903666-C-T. GRCh37 (hg19) VCF-style: chr7-147600758-C-T.
Other names: c.2200C>T (NM_014141.5); short protein forms R734C.
Identifiers: ClinVar variation 2080058 (VCV002080058.2), dbSNP rs775506190, ClinGen allele CA4546329.